The following is an entry in ClinVar:

ClinVar aggregate classification (germline): Likely pathogenic (1 of 4 stars; one submission).

Conditions:
Phelan-McDermid syndrome. Also called: TELOMERIC 22q13 MONOSOMY SYNDROME; 22q13.3 deletion syndrome; Phelan-McDermid Syndrome-SHANK3 Related. Identifiers: Orphanet 48652, MedGen C1853490, MONDO:0011652, OMIM 606232.

Submission:

Human Genetics Bochum, Ruhr University Bochum
Classification: Likely pathogenic for Phelan-McDermid syndrome. Last evaluated: 2025-11-24. Review status: criteria provided, single submitter. Criteria: ACMG Guidelines, 2015. Collection method: clinical testing. Allele origin: germline. Affected: yes.
Comment: ACMG criteria used to clasify this variant: PVS1, PM2_SUP

NM_001372044.2:c.244dup

Gene: SHANK3 (SH3 and multiple ankyrin repeat domains 3; plus strand).
Variant type: Duplication.
Other names: c.244dup (NM_001372044.2).
Identifiers: ClinVar variation 4687973 (VCV004687973.1).